The following is an entry in ClinVar:

NM_000925.4(PDHB):c.934+1G>A

Gene: PDHB (pyruvate dehydrogenase E1 subunit beta; minus strand). Cytogenetic location: 3p14.3.
Variant type: single nucleotide variant.
Coding change: c.934+1G>A on transcript NM_000925.4 (MANE Select); the canonical splice donor site of the intron after coding-DNA position 934, G replaced by A.
Molecular consequence: splice donor variant.
Genome position (GRCh38, 1-based): chr3:58,428,472, C>T on the plus strand (G>A on the coding strand, the complement: PDHB is on the minus strand). VCF-style: chr3-58428472-C-T. GRCh37 (hg19) VCF-style: chr3-58414199-C-T.
Other names: c.934+1G>A (NM_000925.3); c.880+1G>A (NM_001315536.2, NM_001173468.2).
Identifiers: ClinVar variation 2677599 (VCV002677599.2), dbSNP rs1454439049, ClinGen allele CA353358344.

ClinVar aggregate classification (germline): Likely pathogenic. Review status: criteria provided, multiple submitters, no conflicts (2 of 4 stars). 2 submissions from 2 submitters: Likely pathogenic (2). Last evaluated 2025-09-05.

Conditions:
Pyruvate dehydrogenase E1-beta deficiency (PDHBD). Identifiers: Orphanet 255138, Orphanet 765, MedGen C3279841, MONDO:0013580, OMIM 614111.
Pyruvate dehydrogenase phosphatase deficiency (PDHPD). Also called: LACTIC ACIDEMIA WITH PYRUVATE DEHYDROGENASE PHOSPHATASE DEFICIENCY. Identifiers: Orphanet 79246, MedGen C1837429, MONDO:0012120, OMIM 608782.

Submissions (2):

Natera, Inc.
Classification: Likely pathogenic for Pyruvate dehydrogenase phosphatase deficiency. Last evaluated: 2025-09-05. Review status: criteria provided, single submitter. Criteria: Natera Variant Classification Schema (03/2026). Collection method: clinical testing. Allele origin: germline.
Comment: The c.934+1G>A variant in PDHB is a canonical splice donor site variant predicted to affect pre-mRNA splicing, which may result in an abnormal transcript and altered protein product. This variant is expected to result in nonsense mediated decay, truncation, or a dysfunctional protein product. This variant is rare in the general population with a frequency below the threshold expected for the associated phenotype(s). Given the available evidence, this variant is classified as Likely Pathogenic.

Baylor Genetics
Classification: Likely pathogenic for Pyruvate dehydrogenase E1-beta deficiency. Last evaluated: 2023-05-11. Review status: criteria provided, single submitter. Criteria: ACMG Guidelines, 2015. Collection method: clinical testing. Allele origin: unknown.